The following is an entry in ClinVar:

ClinVar aggregate classification (germline): Pathogenic (1 of 4 stars; one submission).

Conditions:
Alport syndrome. Also called: Hemorrhagic familial nephritis; Hemorrhagic hereditary nephritis; Congenital hereditary hematuria. Identifiers: Orphanet 63, MedGen C1567741, MONDO:0018965.

Submission:

Myriad Genetics, Inc.
Classification: Pathogenic for Alport syndrome. Last evaluated: 2023-09-27. Review status: criteria provided, single submitter. Criteria: Myriad Autosomal Dominant, Autosomal Recessive and X-Linked Classification Criteria (2023). Collection method: clinical testing. Allele origin: unknown.
Comment: NM_000092.4(COL4A4):c.384dupG(P129Afs*19) is expected to be pathogenic in the context of Alport syndrome, COL4A4-related. This variant is predicted to lead to an abnormal or absent protein product due to the creation of a premature termination codon in COL4A4, a gene where loss-of-function variants are known to be pathogenic. Please note: this variant was assessed in the context of healthy population screening.

NM_000092.5(COL4A4):c.384dup (p.Pro129fs)

Gene: COL4A4 (collagen type IV alpha 4 chain; minus strand). Cytogenetic location: 2q36.3.
Variant type: Duplication.
Coding change: c.384dup on transcript NM_000092.5 (MANE Select); coding-DNA position 384, one base duplicated (G; older notation c.384dupG).
Protein change: p.Pro129fs; shifts the reading frame from proline 129.
Molecular consequence: frameshift variant.
Genome position (GRCh38, 1-based): chr2:227,118,750, C duplicated on the plus strand (G on the coding strand, the reverse complement: COL4A4 is on the minus strand); the first of 3 consecutive C bases (chr2:227,118,750-227,118,752); duplicating any one gives the same sequence. VCF-style (leftmost placement, unchanged base first): chr2-227118749-G-GC. GRCh37 (hg19) VCF-style: chr2-227983465-G-GC.
Other names: short protein forms P129fs.
Identifiers: ClinVar variation 5012205 (VCV005012205.1).